The following is an entry in ClinVar:

ClinVar aggregate classification (germline): Likely benign. Review status: criteria provided, multiple submitters, no conflicts (2 of 4 stars). 2 submissions from 2 submitters: Likely benign (2). Last evaluated 2025-07-27.

Conditions:
Marfan syndrome (MFS). Also called: MARFAN SYNDROME, TYPE I; Marfan syndrome type 1; Marfan's syndrome; Marfan syndrome, classic; FBN1-Related Marfan Syndrome. Identifiers: Orphanet 284963, Orphanet 558, MedGen C0024796, MONDO:0007947, OMIM 154700.
Familial thoracic aortic aneurysm and aortic dissection (TAAD). Also called: Thoracic aortic aneurysms and dissections. Identifiers: Orphanet 91387, MedGen C4707243, MONDO:0019625.

Allele frequency attached by ClinVar (database versions not stated): TOPMed 0.00004.
gnomAD v4.1: 20 of 1,613,296 alleles (0.0012%); highest among the groups gnomAD compares: East Asian, 0.02%; no homozygotes.

Submissions (2):

Labcorp Genetics (formerly Invitae), Labcorp
Classification: Likely benign for Marfan syndrome; Familial thoracic aortic aneurysm and aortic dissection. Last evaluated: 2025-07-27. Review status: criteria provided, single submitter. Criteria: Invitae Variant Classification Sherloc (09022015). Collection method: clinical testing. Allele origin: germline.

Women's Health and Genetics/Laboratory Corporation of America, LabCorp
Classification: Likely benign. Last evaluated: 2024-05-03. Review status: criteria provided, single submitter. Criteria: LabCorp Variant Classification Summary - May 2015. Collection method: clinical testing. Allele origin: germline.
Comment: Variant summary: FBN1 c.6739+11G>A alters a non-conserved nucleotide located at a position not widely known to affect splicing. Consensus agreement among computation tools predict no significant impact on normal splicing. However, these predictions have yet to be confirmed by functional studies. The variant allele was found at a frequency of 3.2e-05 in 250902 control chromosomes. The available data on variant occurrences in the general population are insufficient to allow any conclusion about variant significance. To our knowledge, no occurrence of c.6739+11G>A in individuals affected with FBN1-related conditions and no experimental evidence demonstrating its impact on protein function have been reported. No submitters have cited clinical-significance assessments for this variant to ClinVar. Based on the evidence outlined above, the variant was classified as likely benign.

NM_000138.5(FBN1):c.6739+11G>A

Gene: FBN1 (fibrillin 1; minus strand). Cytogenetic location: 15q21.1.
Variant type: single nucleotide variant.
Coding change: c.6739+11G>A on transcript NM_000138.5 (MANE Select); 11 bases into the intron after coding-DNA position 6739, G replaced by A.
Molecular consequence: intron variant.
Genome position (GRCh38, 1-based): chr15:48,432,855, C>T on the plus strand (G>A on the coding strand, the complement: FBN1 is on the minus strand). VCF-style: chr15-48432855-C-T. GRCh37 (hg19) VCF-style: chr15-48725052-C-T.
Other names: c.6739+11G>A (NM_001406716.1).
Identifiers: ClinVar variation 2923508 (VCV002923508.4), dbSNP rs757918461, ClinGen allele CA057302.